The following is an entry in ClinVar:

NM_001365480.1(CCDC88A):c.4657T>G (p.Leu1553Val)

Gene: CCDC88A (coiled-coil and HOOK domain protein 88A; minus strand). Cytogenetic location: 2p16.1.
Variant type: single nucleotide variant.
Coding change: c.4657T>G on transcript NM_001365480.1 (MANE Select); coding-DNA position 4657, T replaced by G.
Protein change: p.Leu1553Val; replaces leucine 1553 with valine.
Molecular consequence: missense variant.
Genome position (GRCh38, 1-based): chr2:55,301,887, A>C on the plus strand (T>G on the coding strand, the complement: CCDC88A is on the minus strand). VCF-style: chr2-55301887-A-C. GRCh37 (hg19) VCF-style: chr2-55529023-A-C.
Other names: c.4654T>G, p.Leu1552Val (NM_001135597.2, NM_001254943.2); c.4573T>G, p.Leu1525Val (NM_018084.5); short protein forms L1553V, L1552V, L1525V.
Identifiers: ClinVar variation 3676157 (VCV003676157.2).

ClinVar aggregate classification (germline): Uncertain significance (1 of 4 stars; one submission).

gnomAD v4.1: 1 of 1,614,088 alleles (0.000062%); highest among the groups gnomAD compares: Non-Finnish European, 0.000085%; no homozygotes.

Submission:

Labcorp Genetics (formerly Invitae), Labcorp
Classification: Uncertain significance. Last evaluated: 2025-02-11. Review status: criteria provided, single submitter. Criteria: Invitae Variant Classification Sherloc (09022015). Collection method: clinical testing. Allele origin: germline.
Comment: This sequence change replaces leucine, which is neutral and non-polar, with valine, which is neutral and non-polar, at codon 1552 of the CCDC88A protein (p.Leu1552Val). This variant is not present in population databases (gnomAD no frequency). This variant has not been reported in the literature in individuals affected with CCDC88A-related conditions. An algorithm developed to predict the effect of missense changes on protein structure and function (PolyPhen-2) suggests that this variant is likely to be tolerated. Algorithms developed to predict the effect of sequence changes on RNA splicing suggest that this variant may create or strengthen a splice site. In summary, the available evidence is currently insufficient to determine the role of this variant in disease. Therefore, it has been classified as a Variant of Uncertain Significance.